The following is an entry in ClinVar:

ClinVar aggregate classification (germline): Uncertain significance (1 of 4 stars; one submission).

Conditions:
Immunodeficiency 78 with autoimmunity and developmental delay. Also called: TPP2 deficiency. Identifiers: MedGen C5543159, MONDO:0030971, OMIM 619220.

Submission:

Center for Genomics, Ann and Robert H. Lurie Children's Hospital of Chicago
Classification: Uncertain significance for Immunodeficiency 78 with autoimmunity and developmental delay. Last evaluated: 2021-06-18. Review status: criteria provided, single submitter. Criteria: ACMG Guidelines, 2015. Collection method: clinical testing. Allele origin: germline.
Comment: TPP2 NM_003291.2 exon 24 p.Met1033Val (c.3097A>G): This variant has not been reported in the literature and is not present in large control databases. Evolutionary conservation suggests that this variant may impact the protein; computational predictive tools suggest that this variant may not impact the protein. In summary, data on this variant is insufficient for disease classification. Therefore, the clinical significance of this variant is uncertain.

NM_001330588.2(TPP2):c.3136A>G (p.Met1046Val)

Gene: TPP2 (tripeptidyl peptidase 2; plus strand). Cytogenetic location: 13q33.1.
Variant type: single nucleotide variant.
Coding change: c.3136A>G on transcript NM_001330588.2 (MANE Select); coding-DNA position 3136, A replaced by G.
Protein change: p.Met1046Val; replaces methionine 1046 with valine.
Molecular consequence: missense variant. On other transcripts: non-coding transcript variant (1).
Genome position (GRCh38, 1-based): chr13:102,657,200, A>G. VCF-style: chr13-102657200-A-G. GRCh37 (hg19) VCF-style: chr13-103309550-A-G.
Other names: c.3097A>G, p.Met1033Val (NM_001367947.1, NM_003291.4); short protein forms M1033V, M1046V.
Identifiers: ClinVar variation 1675145 (VCV001675145.1), dbSNP rs2139571721, ClinGen allele CA388504228.